The following is an entry in ClinVar:

NM_020166.5(MCCC1):c.2085delinsAA (p.Val697fs)

Gene: MCCC1 (methylcrotonyl-CoA carboxylase subunit 1; minus strand). Cytogenetic location: 3q27.1.
Variant type: Indel.
Coding change: c.2085delinsAA on transcript NM_020166.5 (MANE Select); coding-DNA position 2085, G replaced by AA.
Protein change: p.Val697fs; shifts the reading frame from valine 697.
Molecular consequence: frameshift variant. On other transcripts: non-coding transcript variant (2).
Genome position (GRCh38, 1-based): chr3:183,015,531, C replaced by TT on the plus strand (G replaced by AA on the coding strand, the reverse complement: MCCC1 is on the minus strand). VCF-style: chr3-183015531-C-TT. GRCh37 (hg19) VCF-style: chr3-182733319-C-TT.
Other names: c.2085delGinsAA (NM_020166.4); c.2085delinsAA (NM_020166.4); c.1734delinsAA, p.Val580fs (NM_001293273.2); c.1758delinsAA, p.Val588fs (NM_001363880.1); short protein forms V580fs, V588fs, V697fs.
Identifiers: ClinVar variation 4816033 (VCV004816033.2).

ClinVar aggregate classification (germline): Likely pathogenic. Review status: criteria provided, multiple submitters, no conflicts (2 of 4 stars). 2 submissions from 2 submitters: Likely pathogenic (2). Last evaluated 2026-09-11.

Conditions:
3-methylcrotonyl-CoA carboxylase 1 deficiency (MCC1D). Also called: MCC 1 deficiency; 3 Alpha methylcrotonylglycinuria 1; MCCD TYPE 1; METHYLCROTONYLGLYCINURIA TYPE I. Identifiers: Orphanet 6, MedGen CN028786, MONDO:0008861, OMIM 210200.
MCCC1-related disorder. Also called: MCCC1-related condition.

Submissions (2):

PreventionGenetics, part of Exact Sciences
Classification: Likely pathogenic for MCCC1-related condition. Last evaluated: 2026-09-11. Review status: criteria provided, single submitter. Criteria: ACMG Guidelines, 2015. Collection method: clinical testing. Allele origin: germline.
Comment: The MCCC1 c.2085delinsAA variant is predicted to result in a frameshift and premature protein termination (p.Val697Serfs*19). This variant resides in the final exon of MCCC1, and it is unclear if the resulting mRNA would undergo nonsense-mediated decay. To our knowledge, this variant has not been reported in the literature or in a large population database (gnomAD), indicating this variant is rare and is interpreted as likely pathogenic in ClinVar (Variation ID: 4816033). Another variant resulting in the same predicted effect, c.2088dup (p.Val697Serfs*19), has been reported along with a second truncating variant in MCCC1 in an individual with autosomal recessive 3-methylcrotonyl-CoA carboxylase deficiency (Dantas et al. 2005. PubMed ID: 16010683). Frameshift variants in MCCC1 are expected to be pathogenic. This variant is interpreted as likely pathogenic.

Natera, Inc.
Classification: Likely pathogenic for 3-methylcrotonyl-CoA carboxylase 1 deficiency. Last evaluated: 2024-08-08. Review status: criteria provided, single submitter. Criteria: Natera Variant Classification Schema (03/2026). Collection method: clinical testing. Allele origin: germline.
Comment: The c.2085delGinsAA variant in MCCC1 is a frameshift variant predicted to shift the reading frame beginning at codon 697 and leads to a stop codon 19 codons downstream. This variant is expected to result in nonsense mediated decay, truncation, or a dysfunctional protein product. This variant is rare in the general population with a frequency below the threshold expected for the associated phenotype(s). Given the available evidence, this variant is classified as Likely Pathogenic.